The following is an entry in ClinVar:

ClinVar aggregate classification (germline): Uncertain significance (1 of 4 stars; one submission).

Submission:

GeneDx
Classification: Uncertain significance. Last evaluated: 2025-04-30. Review status: criteria provided, single submitter. Criteria: GeneDx Variant Classification Process June 2021. Collection method: clinical testing. Allele origin: germline. Affected: yes.
Comment: Not observed at significant frequency in large population cohorts (gnomAD); In silico analysis supports that this missense variant has a deleterious effect on protein structure/function; Has not been previously published as pathogenic or benign to our knowledge; This variant is associated with the following publications: (PMID: 24413735)

NM_001042750.2(STAG2):c.1031G>A (p.Arg344Lys)

Gene: STAG2 (STAG2 cohesin complex component; plus strand). Cytogenetic location: Xq25.
Variant type: single nucleotide variant.
Coding change: c.1031G>A on transcript NM_001042750.2 (MANE Select); coding-DNA position 1031, G replaced by A.
Protein change: p.Arg344Lys; replaces arginine 344 with lysine.
Molecular consequence: missense variant.
Genome position (GRCh38, 1-based): chrX:124,051,134, G>A. VCF-style: chrX-124051134-G-A. GRCh37 (hg19) VCF-style: chrX-123184984-G-A.
Other names: c.1031G>A, p.Arg344Lys (NM_001042749.2, NM_001042751.2, NM_001282418.2 and 23 more transcripts); short protein forms R344K.
Identifiers: ClinVar variation 4526961 (VCV004526961.1).
Genomic context (GRCh38, chrX:124,051,134, plus strand): 5'-ATAGAGTTTTAATGCATTGTCTCATCTTTTTTTTTTTTTTTTTTTAGCAAGGTGAAGTAA[G>A]ACTCAAATGTCTTACTGCTCTACAAGGGCTTTATTATAACAAAGAGCTTAATTCCAAACT-3'
Protein context (NP_001036215.1, residues 334-354): WTMHDKQGEV[Arg344Lys]LKCLTALQGL